The following is an entry in ClinVar:

NM_000038.6(APC):c.3709_3710del (p.Gln1237fs)

Gene: APC (APC regulator of Wnt signaling pathway; plus strand). Cytogenetic location: 5q22.2.
Variant type: Microsatellite.
Coding change: c.3709_3710del on transcript NM_000038.6 (MANE Select); coding-DNA positions 3709 to 3710, 2 bases deleted (CA; older notation c.3709_3710delCA).
Protein change: p.Gln1237fs; shifts the reading frame from glutamine 1237.
Molecular consequence: frameshift variant.
Genome position (GRCh38, 1-based): chr5:112,839,303-112,839,304, CA deleted; deleting any 2 consecutive bases within chr5:112,839,301-112,839,304 gives the same sequence; the c. name uses the placement nearest the transcript's 3' end. VCF-style (leftmost placement, unchanged base first): chr5-112839300-GCA-G. GRCh37 (hg19) VCF-style: chr5-112174997-GCA-G.
Other names: c.3709_3710del, p.Gln1237fs (NM_001127510.3, NM_001354895.2); c.3655_3656del, p.Gln1219fs (NM_001127511.3); c.3763_3764del, p.Gln1255fs (NM_001354896.2); c.3739_3740del, p.Gln1247fs (NM_001354897.2); c.3634_3635del, p.Gln1212fs (NM_001354898.2); c.3625_3626del, p.Gln1209fs (NM_001354899.2); c.3586_3587del, p.Gln1196fs (NM_001354900.2); c.3532_3533del, p.Gln1178fs (NM_001354901.2); and 5 more; short protein forms Q1111fs, Q1247fs, Q1255fs, Q1136fs, Q1178fs, Q1196fs, Q1209fs, Q1077fs.
Identifiers: ClinVar variation 433651 (VCV000433651.11), dbSNP rs1554085246, ClinGen allele CA645372789.

ClinVar aggregate classification (germline): Pathogenic/Likely pathogenic. Review status: criteria provided, multiple submitters, no conflicts (2 of 4 stars). 4 submissions from 4 submitters: Pathogenic (2); Likely pathogenic (1). 1 of the submissions does not count toward it. Last evaluated 2023-05-09.
ClinVar aggregate classification (somatic clinical impact): Tier I - Strong (1 of 4 stars; one submission).

Conditions:
Familial adenomatous polyposis 1 (FAP1). Also called: POLYPOSIS, ADENOMATOUS INTESTINAL; FAMILIAL ADENOMATOUS POLYPOSIS 1, ATTENUATED. Identifiers: MedGen C2713442, MONDO:0021056, OMIM 175100. Disease mechanism: loss of function.
Colon adenocarcinoma. Also called: Adenocarcinoma of the colon; Colonic adenocarcinoma. Identifiers: MedGen C0338106, MONDO:0002271, HP:0040276.

Submissions (5):

Myriad Genetics, Inc.
Classification: Pathogenic for Familial adenomatous polyposis 1. Last evaluated: 2023-05-09. Review status: criteria provided, single submitter. Criteria: Myriad Autosomal Dominant, Autosomal Recessive and X-Linked Classification Criteria (2023). Collection method: clinical testing. Allele origin: unknown.
Comment: This variant is considered pathogenic. This variant creates a frameshift predicted to result in premature protein truncation.

Institute for Genomic Medicine (IGM) Clinical Laboratory, Nationwide Children's Hospital
Classification: Tier I - Strong for Colon adenocarcinoma. Assertion type: diagnostic. Clinical significance: supports diagnosis. Last evaluated: 2022-12-16. Review status: criteria provided, single submitter. Criteria: AMP/ASCO/CAP Guidelines, 2017. Collection method: clinical testing. Allele origin: somatic. Affected: yes.
Comment: Variant has Tier I (strong) clinical significance as a diagnostic inclusion criterion in colon adenocarcinoma, based on the following evidence: 1) Documented in one or more cancer databases (e.g., St. Jude Pecan, COSMIC, CIViC, OncoKB). 2) Information in the literature supports potential biologic effect of variant (PMID: 9065402). 3) Diagnostic for a specific tumor type/classification based on well-powered studies with expert-level consensus (Evidence Level B).

Labcorp Genetics (formerly Invitae), Labcorp
Classification: Pathogenic for Familial adenomatous polyposis 1. Last evaluated: 2022-01-03. Review status: criteria provided, single submitter. Criteria: Invitae Variant Classification Sherloc (09022015). Collection method: clinical testing. Allele origin: germline.
Comment: This sequence change creates a premature translational stop signal (p.Gln1237Glufs*2) in the APC gene. While this is not anticipated to result in nonsense mediated decay, it is expected to disrupt the last 1607 amino acid(s) of the APC protein. This variant is expected to disrupt the EB1 and HDLG binding sites, which mediate interactions with the cytoskeleton (PMID: 15311282, 17293347). While functional studies have not been performed to directly test the effect on APC protein function, this suggests that disruption of the C-terminal portion of the protein is functionally important. For these reasons, this variant has been classified as Pathogenic. A different truncation (p.Tyr2645Lysfs*14) that lies downstream of this variant has been determined to be pathogenic (PMID: 9824584, 1316610, 27081525, 8381579, 22135120, Invitae). This suggests that deletion of this region of the APC protein is causative of disease. This premature translational stop signal has been observed in individual(s) with familial adenomatous polyposis (PMID: 10077047). This variant is not present in population databases (gnomAD no frequency).

MGZ Medical Genetics Center
Classification: Likely pathogenic for Familial adenomatous polyposis 1. Last evaluated: 2021-07-21. Review status: criteria provided, single submitter. Criteria: ACMG Guidelines, 2015. Collection method: clinical testing. Allele origin: germline. Affected: yes. Observed: 1 variant allele.
Comment: ACMG criteria applied: PVS1, PM2_SUP

Department of Pathology and Laboratory Medicine, Sinai Health System
Classification: Uncertain significance. Review status: no assertion criteria provided. Collection method: clinical testing. Allele origin: unknown. Affected: yes. Observed: 1 variant allele. Study: The Canadian Open Genetics Repository (COGR). Not counted in ClinVar's aggregate classification.

Literature cited by the submitters: PubMed 9065402 (cited by Institute for Genomic Medicine (IGM) Clinical Laboratory, Nationwide Children's Hospital); PubMed 15311282 (cited by Labcorp Genetics (formerly Invitae), Labcorp); PubMed 17293347 (cited by Labcorp Genetics (formerly Invitae), Labcorp); PubMed 9824584 (cited by Labcorp Genetics (formerly Invitae), Labcorp); PubMed 1316610 (cited by Labcorp Genetics (formerly Invitae), Labcorp); PubMed 27081525 (cited by Labcorp Genetics (formerly Invitae), Labcorp); PubMed 8381579 (cited by Labcorp Genetics (formerly Invitae), Labcorp); PubMed 22135120 (cited by Labcorp Genetics (formerly Invitae), Labcorp); PubMed 10077047 (cited by Labcorp Genetics (formerly Invitae), Labcorp).